The following is an entry in ClinVar:

NM_006206.6(PDGFRA):c.2281C>T (p.Leu761Phe)

Gene: PDGFRA (platelet derived growth factor receptor alpha; plus strand). Cytogenetic location: 4q12.
Variant type: single nucleotide variant.
Coding change: c.2281C>T on transcript NM_006206.6 (MANE Select); coding-DNA position 2281, C replaced by T.
Protein change: p.Leu761Phe; replaces leucine 761 with phenylalanine.
Molecular consequence: missense variant.
Genome position (GRCh38, 1-based): chr4:54,280,440, C>T. VCF-style: chr4-54280440-C-T. GRCh37 (hg19) VCF-style: chr4-55146607-C-T.
Other names: c.2281C>T, p.Leu761Phe (NM_001347827.2, NM_001347829.2); c.2356C>T, p.Leu786Phe (NM_001347828.2); c.2320C>T, p.Leu774Phe (NM_001347830.2); short protein forms L774F, L761F, L786F.
Identifiers: ClinVar variation 2873351 (VCV002873351.3), dbSNP rs748362104, ClinGen allele CA2922803.

ClinVar aggregate classification (germline): Uncertain significance. Review status: criteria provided, multiple submitters, no conflicts (2 of 4 stars). 2 submissions from 2 submitters: Uncertain significance (2). Last evaluated 2026-05-04.

Conditions:
Hereditary cancer-predisposing syndrome. Also called: Neoplastic Syndromes, Hereditary; Tumor predisposition; Hereditary neoplastic syndrome; Hereditary Cancer Syndrome. Identifiers: Orphanet 140162, MedGen C0027672, MeSH D009386, MONDO:0015356.
Gastrointestinal stromal tumor. Also called: Gastrointestinal stromal tumor, somatic; Gastrointestinal stroma tumor. Identifiers: Orphanet 44890, MedGen C0238198, MeSH D046152, MONDO:0011719, OMIM 606764, HP:0100723.

Allele frequency attached by ClinVar (database versions not stated): ExAC 0.00001.

Submissions (2):

Ambry Genetics
Classification: Uncertain significance for Hereditary cancer-predisposing syndrome. Last evaluated: 2026-05-04. Review status: criteria provided, single submitter. Criteria: Ambry Variant Classification Scheme 2023. Collection method: clinical testing. Allele origin: germline.
Comment: The p.L761F variant (also known as c.2281C>T), located in coding exon 15 of the PDGFRA gene, results from a C to T substitution at nucleotide position 2281. The leucine at codon 761 is replaced by phenylalanine, an amino acid with highly similar properties. This amino acid position is conserved. In addition, this alteration is predicted to be tolerated by in silico analysis. Based on the available evidence, the clinical significance of this variant remains unclear.

Labcorp Genetics (formerly Invitae), Labcorp
Classification: Uncertain significance for Gastrointestinal stromal tumor. Last evaluated: 2023-12-25. Review status: criteria provided, single submitter. Criteria: Invitae Variant Classification Sherloc (09022015). Collection method: clinical testing. Allele origin: germline.
Comment: This sequence change replaces leucine, which is neutral and non-polar, with phenylalanine, which is neutral and non-polar, at codon 761 of the PDGFRA protein (p.Leu761Phe). This variant is not present in population databases (gnomAD no frequency). This variant has not been reported in the literature in individuals affected with PDGFRA-related conditions. Advanced modeling of protein sequence and biophysical properties (such as structural, functional, and spatial information, amino acid conservation, physicochemical variation, residue mobility, and thermodynamic stability) performed at Invitae indicates that this missense variant is not expected to disrupt PDGFRA protein function with a negative predictive value of 80%. In summary, the available evidence is currently insufficient to determine the role of this variant in disease. Therefore, it has been classified as a Variant of Uncertain Significance.